The following is an entry in ClinVar:

ClinVar aggregate classification (germline): Likely benign (1 of 4 stars; one submission).

Allele frequency attached by ClinVar (database versions not stated): gnomAD exomes below 0.00001; gnomAD 0.00002; TOPMed 0.00002; ExAC 0.00001.
gnomAD v4.1: 4 of 1,612,786 alleles (0.00025%); highest among the groups gnomAD compares: African/African-American, 0.004%; no homozygotes.

Submission:

GeneDx
Classification: Likely benign. Last evaluated: 2018-05-23. Review status: criteria provided, single submitter. Criteria: GeneDx Variant Classification (06012015). Collection method: clinical testing. Allele origin: germline. Affected: yes.
Comment: This variant is considered likely benign or benign based on one or more of the following criteria: it is a conservative change, it occurs at a poorly conserved position in the protein, it is predicted to be benign by multiple in silico algorithms, and/or has population frequency not consistent with disease.

NM_012309.5(SHANK2):c.2403C>T (p.Pro801=)

Gene: SHANK2 (SH3 and multiple ankyrin repeat domains 2; minus strand). Cytogenetic location: 11q13.3.
Variant type: single nucleotide variant.
Coding change: c.2403C>T on transcript NM_012309.5 (MANE Select); coding-DNA position 2403, C replaced by T.
Protein change: p.Pro801=; no amino-acid change (proline 801 retained).
Molecular consequence: synonymous variant. On other transcripts: non-coding transcript variant (1).
Genome position (GRCh38, 1-based): chr11:70,492,371, G>A on the plus strand (C>T on the coding strand, the complement: SHANK2 is on the minus strand). VCF-style: chr11-70492371-G-A. GRCh37 (hg19) VCF-style: chr11-70338476-G-A.
Other names: c.1266C>T, p.Pro422= (NM_001379226.1); c.639C>T, p.Pro213= (NM_133266.5).
Identifiers: ClinVar variation 668598 (VCV000668598.1), dbSNP rs781966470, ClinGen allele CA6161379.